The following is an entry in ClinVar:

NM_015915.5(ATL1):c.757G>T (p.Val253Phe)

Gene: ATL1 (atlastin GTPase 1; plus strand). Cytogenetic location: 14q22.1.
Variant type: single nucleotide variant.
Coding change: c.757G>T on transcript NM_015915.5 (MANE Select); coding-DNA position 757, G replaced by T.
Protein change: p.Val253Phe; replaces valine 253 with phenylalanine.
Molecular consequence: missense variant.
Genome position (GRCh38, 1-based): chr14:50,614,406, G>T. VCF-style: chr14-50614406-G-T. GRCh37 (hg19) VCF-style: chr14-51081124-G-T.
Other names: c.757G>T, p.Val253Phe (NM_181598.4, NM_001127713.1); short protein forms V253F.
Identifiers: ClinVar variation 2504269 (VCV002504269.6), dbSNP rs864622520, ClinGen allele CA389671554.
Genomic context (GRCh38, chr14:50,614,406, plus strand): 5'-TTTAAACTTCAGAATGATTTACTGCAGGTCTCAGGGAACCAGCATGAAGAACTACAGAAC[G>T]TCAGAAAACACATCCATTCCTGTTTCACCAACATTTCCTGTTTTCTGCTACCTCATCCTG-3'
Protein context (NP_056999.2, residues 243-263): SGNQHEELQN[Val253Phe]RKHIHSCFTN

ClinVar aggregate classification (germline): Conflicting classifications of pathogenicity. Review status: criteria provided, conflicting classifications (1 of 4 stars). 2 submissions from 2 submitters: Likely pathogenic (1); Uncertain significance (1). Last evaluated 2025-06-12.

Conditions:
Hereditary spastic paraplegia 3A (SPG3A). Also called: Spastic paraplegia 3A, autosomal dominant; SPASTIC PARAPLEGIA 3, AUTOSOMAL DOMINANT; FAMILIAL SPASTIC PARAPLEGIA, AUTOSOMAL DOMINANT, 1; SPG3; STRUMPELL DISEASE; Spastic Paraplegia 3A. Identifiers: Orphanet 100984, MedGen C2931355, MONDO:0008437, OMIM 182600.

Submissions (2):

GeneDx
Classification: Likely pathogenic. Last evaluated: 2025-06-12. Review status: criteria provided, single submitter. Criteria: GeneDx Variant Classification Process June 2021. Collection method: clinical testing. Allele origin: germline. Affected: yes.
Comment: Not observed at significant frequency in large population cohorts (gnomAD); In silico analysis supports that this missense variant has a deleterious effect on protein structure/function; Has not been previously published as pathogenic or benign to our knowledge; This variant is associated with the following publications: (PMID: 23334294, 35578252, 31594988, 26208798, 15596607)

Labcorp Genetics (formerly Invitae), Labcorp
Classification: Uncertain significance for Hereditary spastic paraplegia 3A. Last evaluated: 2023-09-06. Review status: criteria provided, single submitter. Criteria: Invitae Variant Classification Sherloc (09022015). Collection method: clinical testing. Allele origin: germline.
Comment: ClinVar contains an entry for this variant (Variation ID: 2504269). This variant has not been reported in the literature in individuals affected with ATL1-related conditions. This variant is not present in population databases (gnomAD no frequency). Advanced modeling of protein sequence and biophysical properties (such as structural, functional, and spatial information, amino acid conservation, physicochemical variation, residue mobility, and thermodynamic stability) performed at Invitae indicates that this missense variant is expected to disrupt ATL1 protein function. This variant disrupts the p.Val253 amino acid residue in ATL1. Other variant(s) that disrupt this residue have been determined to be pathogenic (PMID: 15596607, 16401858, 17285536, 20932283, 24604904, 26208798). This suggests that this residue is clinically significant, and that variants that disrupt this residue are likely to be disease-causing. In summary, the available evidence is currently insufficient to determine the role of this variant in disease. Therefore, it has been classified as a Variant of Uncertain Significance. This sequence change replaces valine, which is neutral and non-polar, with phenylalanine, which is neutral and non-polar, at codon 253 of the ATL1 protein (p.Val253Phe).

Literature cited by the submitters: PubMed 15596607 (cited by Labcorp Genetics (formerly Invitae), Labcorp); PubMed 16401858 (cited by Labcorp Genetics (formerly Invitae), Labcorp); PubMed 17285536 (cited by Labcorp Genetics (formerly Invitae), Labcorp); PubMed 20932283 (cited by Labcorp Genetics (formerly Invitae), Labcorp); PubMed 24604904 (cited by Labcorp Genetics (formerly Invitae), Labcorp); PubMed 26208798 (cited by Labcorp Genetics (formerly Invitae), Labcorp).